The following is an entry in ClinVar:

ClinVar aggregate classification (germline): Uncertain significance. Review status: criteria provided, multiple submitters, no conflicts (2 of 4 stars). 2 submissions from 2 submitters: Uncertain significance (2). Last evaluated 2024-10-25.

Conditions:
Inborn genetic diseases. Identifiers: MedGen C0950123, MeSH D030342.

gnomAD v4.1: 2 of 1,613,698 alleles (0.00012%); highest among the groups gnomAD compares: Admixed American, 0.0033%; no homozygotes.

Submissions (2):

Ambry Genetics
Classification: Uncertain significance for Inborn genetic diseases. Last evaluated: 2024-10-25. Review status: criteria provided, single submitter. Criteria: Ambry Variant Classification Scheme 2023. Collection method: clinical testing. Allele origin: germline.

Women's Health and Genetics/Laboratory Corporation of America, LabCorp
Classification: Uncertain significance. Last evaluated: 2024-07-03. Review status: criteria provided, single submitter. Criteria: LabCorp Variant Classification Summary - May 2015. Collection method: clinical testing. Allele origin: germline.
Comment: Variant summary: HPS3 c.2290A>C (p.Lys764Gln) results in a conservative amino acid change located in the BLOC-2 complex member HPS3, C-terminal domain (IPR029438) of the encoded protein sequence. Three of five in-silico tools predict a benign effect of the variant on protein function. Consensus agreement among computation tools predict no significant impact on normal splicing. However, these predictions have yet to be confirmed by functional studies. The variant was absent in 250778 control chromosomes. The available data on variant occurrences in the general population are insufficient to allow any conclusion about variant significance. To our knowledge, no occurrence of c.2290A>C in individuals affected with Hermansky-Pudlak Syndrome and no experimental evidence demonstrating its impact on protein function have been reported. No submitters have cited clinical-significance assessments for this variant to ClinVar. Based on the evidence outlined above, the variant was classified as uncertain significance.

NM_032383.5(HPS3):c.2290A>C (p.Lys764Gln)

Gene: HPS3 (HPS3 biogenesis of lysosomal organelles complex 2 subunit 1; plus strand). Cytogenetic location: 3q24.
Variant type: single nucleotide variant.
Coding change: c.2290A>C on transcript NM_032383.5 (MANE Select); coding-DNA position 2290, A replaced by C.
Protein change: p.Lys764Gln; replaces lysine 764 with glutamine.
Molecular consequence: missense variant.
Genome position (GRCh38, 1-based): chr3:149,162,331, A>C. VCF-style: chr3-149162331-A-C. GRCh37 (hg19) VCF-style: chr3-148880118-A-C.
Other names: c.1795A>C, p.Lys599Gln (NM_001308258.2); c.2290A>C (NM_032383.3); short protein forms K599Q, K764Q.
Identifiers: ClinVar variation 3339160 (VCV003339160.2).